The following is an entry in ClinVar:

NM_001211.6(BUB1B):c.384+6T>A

Gene: BUB1B (BUB1 mitotic checkpoint serine/threonine kinase B; plus strand). Cytogenetic location: 15q15.1.
Variant type: single nucleotide variant.
Coding change: c.384+6T>A on transcript NM_001211.6 (MANE Select); 6 bases into the intron after coding-DNA position 384, T replaced by A.
Molecular consequence: intron variant.
Genome position (GRCh38, 1-based): chr15:40,170,687, T>A. VCF-style: chr15-40170687-T-A. GRCh37 (hg19) VCF-style: chr15-40462888-T-A.
Identifiers: ClinVar variation 1429888 (VCV001429888.6), dbSNP rs2140881867, ClinGen allele CA2573150680.
Genomic context (GRCh38, chr15:40,170,687, plus strand): 5'-AGGAGAAAAACGATATTATAGTGATCCTCGATTTCTCAATCTCTGGCTTAAATTAGTAAG[T>A]CTTTCTCAAGTGCCATCTGAGTTTTAAATATTAAACTAAGAGATTTTCTCTAGAGGTATC-3'

ClinVar aggregate classification (germline): Uncertain significance (1 of 4 stars; one submission).

Conditions:
Mosaic variegated aneuploidy syndrome 1 (MVA1). Also called: Warburton-Anyane-Yeboa syndrome. Identifiers: Orphanet 1052, MedGen C1850343, MONDO:0009759, OMIM 257300.

Allele frequency attached by ClinVar (database versions not stated): gnomAD exomes below 0.00001.
gnomAD v4.1: 2 of 1,613,074 alleles (0.00012%); highest among the groups gnomAD compares: Non-Finnish European, 0.00017%; no homozygotes.

Submission:

Labcorp Genetics (formerly Invitae), Labcorp
Classification: Uncertain significance for Mosaic variegated aneuploidy syndrome 1. Last evaluated: 2020-11-15. Review status: criteria provided, single submitter. Criteria: Invitae Variant Classification Sherloc (09022015). Collection method: clinical testing. Allele origin: germline.
Comment: In summary, the available evidence is currently insufficient to determine the role of this variant in disease. Therefore, it has been classified as a Variant of Uncertain Significance. Nucleotide substitutions within the consensus splice site are a relatively common cause of aberrant splicing (PMID: 17576681, 9536098). Algorithms developed to predict the effect of sequence changes on RNA splicing suggest that this variant may disrupt the consensus splice site, but this prediction has not been confirmed by published transcriptional studies. This variant has not been reported in the literature in individuals with BUB1B-related conditions. This variant is not present in population databases (ExAC no frequency). This sequence change falls in intron 4 of the BUB1B gene. It does not directly change the encoded amino acid sequence of the BUB1B protein. It affects a nucleotide within the consensus splice site of the intron.

Literature cited by the submitters: PubMed 17576681; PubMed 9536098.